The following is an entry in ClinVar:

NM_024675.4(PALB2):c.1454C>T (p.Thr485Ile)

Gene: PALB2 (partner and localizer of BRCA2; minus strand). Cytogenetic location: 16p12.2.
Variant type: single nucleotide variant.
Coding change: c.1454C>T on transcript NM_024675.4 (MANE Select); coding-DNA position 1454, C replaced by T.
Protein change: p.Thr485Ile; replaces threonine 485 with isoleucine.
Molecular consequence: missense variant.
Genome position (GRCh38, 1-based): chr16:23,635,092, G>A on the plus strand (C>T on the coding strand, the complement: PALB2 is on the minus strand). VCF-style: chr16-23635092-G-A. GRCh37 (hg19) VCF-style: chr16-23646413-G-A.
Other names: short protein forms T485I.
Identifiers: ClinVar variation 186107 (VCV000186107.23), dbSNP rs786202699, ClinGen allele CA193882.

ClinVar aggregate classification (germline): Conflicting classifications of pathogenicity. Review status: criteria provided, conflicting classifications (1 of 4 stars). 5 submissions from 5 submitters: Uncertain significance (3); Likely benign (1). 1 of the submissions does not count toward it. Last evaluated 2025-09-27.

Conditions:
Hereditary cancer-predisposing syndrome. Also called: Tumor predisposition; Hereditary neoplastic syndrome; Neoplastic Syndromes, Hereditary; Hereditary Cancer Syndrome. Identifiers: Orphanet 140162, MedGen C0027672, MeSH D009386, MONDO:0015356.
Carcinoma of colon (CRC). Also called: Colonic carcinoma; Colon carcinoma. Identifiers: MedGen C0699790, MONDO:0002032.
Familial cancer of breast. Also called: hereditary breast carcinoma; BREAST CANCER, FAMILIAL; Hereditary breast cancer. Identifiers: Orphanet 227535, MedGen C0346153, MONDO:0016419, OMIM 114480. Disease mechanism: loss of function.

gnomAD v4.1: 8 of 1,614,178 alleles (0.0005%); highest among the groups gnomAD compares: Non-Finnish European, 0.00068%; no homozygotes.

Submissions (5):

Labcorp Genetics (formerly Invitae), Labcorp
Classification: Uncertain significance for Familial cancer of breast. Last evaluated: 2025-09-27. Review status: criteria provided, single submitter. Criteria: Invitae Variant Classification Sherloc (09022015). Collection method: clinical testing. Allele origin: germline.
Comment: This sequence change replaces threonine, which is neutral and polar, with isoleucine, which is neutral and non-polar, at codon 485 of the PALB2 protein (p.Thr485Ile). This variant is not present in population databases (gnomAD no frequency). This missense change has been observed in individual(s) with colorectal cancer (PMID: 26315354, 28135145). ClinVar contains an entry for this variant (Variation ID: 186107). Invitae Evidence Modeling of protein sequence and biophysical properties (such as structural, functional, and spatial information, amino acid conservation, physicochemical variation, residue mobility, and thermodynamic stability) indicates that this missense variant is not expected to disrupt PALB2 protein function with a negative predictive value of 80%. In summary, the available evidence is currently insufficient to determine the role of this variant in disease. Therefore, it has been classified as a Variant of Uncertain Significance.

Ambry Genetics
Classification: Likely benign for Hereditary cancer-predisposing syndrome. Last evaluated: 2025-02-21. Review status: criteria provided, single submitter. Criteria: Ambry Variant Classification Scheme 2023. Collection method: clinical testing. Allele origin: germline.

Color Diagnostics, LLC DBA Color Health
Classification: Uncertain significance for Hereditary cancer-predisposing syndrome. Last evaluated: 2018-12-30. Review status: criteria provided, single submitter. Criteria: ACMG Guidelines, 2015. Collection method: clinical testing. Allele origin: germline.

Quest Diagnostics Nichols Institute San Juan Capistrano
Classification: Uncertain significance. Last evaluated: 2016-09-12. Review status: criteria provided, single submitter. Criteria: Quest Diagnostics criteria. Collection method: clinical testing. Allele origin: germline.

Leiden Open Variation Database
Classification: Uncertain significance for Colorectal cancer. Last evaluated: 2017-01-31. Review status: no assertion criteria provided. Collection method: curation. Allele origin: germline. Affected: yes. Not counted in ClinVar's aggregate classification.
Comment: Curators: Marc Tischkowitz, Arleen D. Auerbach. Submitter to LOVD: Melissa DeRycke.

Literature cited by the submitters: PubMed 26315354 (cited by 3 submitters); PubMed 28135145 (cited by Labcorp Genetics (formerly Invitae), Labcorp and Ambry Genetics); PubMed 35884425 (cited by Ambry Genetics).